The following is an entry in ClinVar:

ClinVar aggregate classification (germline): Likely benign (0 of 4 stars; one submission).

Conditions:
NF1-related disorder. Also called: NF1-related condition. Identifiers: MedGen CN379171.

Allele frequency attached by ClinVar (database versions not stated): gnomAD 0.00002; gnomAD exomes 0.00002; TOPMed 0.00003; ExAC 0.00004; ESP Exome Variant Server 0.00008.
gnomAD v4.1: 36 of 1,613,594 alleles (0.0022%); highest among the groups gnomAD compares: Admixed American, 0.012%; no homozygotes.

Submission:

PreventionGenetics, part of Exact Sciences
Classification: Likely benign for NF1-related condition. Last evaluated: 2023-05-03. Review status: no assertion criteria provided. Collection method: clinical testing. Allele origin: germline.
Comment: This variant is classified as likely benign based on ACMG/AMP sequence variant interpretation guidelines (Richards et al. 2015 PMID: 25741868, with internal and published modifications).

NM_001042492.3(NF1):c.8113+28G>C

Gene: NF1 (neurofibromin 1; plus strand). Cytogenetic location: 17q11.2.
Variant type: single nucleotide variant.
Coding change: c.8113+28G>C on transcript NM_001042492.3 (MANE Select); 28 bases into the intron after coding-DNA position 8113, G replaced by C.
Molecular consequence: intron variant.
Genome position (GRCh38, 1-based): chr17:31,358,650, G>C. VCF-style: chr17-31358650-G-C. GRCh37 (hg19) VCF-style: chr17-29685668-G-C.
Other names: c.8050+28G>C (NM_000267.4).
Identifiers: ClinVar variation 3029506 (VCV003029506.2), dbSNP rs367730383, ClinGen allele CA8487733.